The following is an entry in ClinVar:

NM_017739.4(POMGNT1):c.151G>A (p.Val51Ile)

Gene: POMGNT1 (protein O-linked mannose N-acetylglucosaminyltransferase 1 (beta 1,2-); minus strand). Cytogenetic location: 1p34.1.
Variant type: single nucleotide variant.
Coding change: c.151G>A on transcript NM_017739.4 (MANE Select); coding-DNA position 151, G replaced by A.
Protein change: p.Val51Ile; replaces valine 51 with isoleucine.
Molecular consequence: missense variant. On other transcripts: 5 prime UTR variant (1).
Genome position (GRCh38, 1-based): chr1:46,197,054, C>T on the plus strand (G>A on the coding strand, the complement: POMGNT1 is on the minus strand). VCF-style: chr1-46197054-C-T. GRCh37 (hg19) VCF-style: chr1-46662726-C-T.
Other names: c.151G>A, p.Val51Ile (NM_001243766.2, NM_001410783.1); c.85G>A, p.Val29Ile (NM_001290129.3); c.-279G>A (NM_001290130.2); short protein forms V29I, V51I.
Identifiers: ClinVar variation 1415911 (VCV001415911.6), dbSNP rs2148219344, ClinGen allele CA340192264.

ClinVar aggregate classification (germline): Uncertain significance (1 of 4 stars; one submission).

Conditions:
Autosomal recessive limb-girdle muscular dystrophy type 2O. Also called: Limb-Girdle Muscular Dystrophy Type 3C; MUSCULAR DYSTROPHY-DYSTROGLYCANOPATHY (LIMB-GIRDLE), TYPE C, 3; MUSCULAR DYSTROPHY-DYSTROGLYCANOPATHY, LIMB-GIRDLE, POMGNT1-RELATED. Identifiers: Orphanet 206564, MedGen C3150417, MONDO:0013161, OMIM 613157.
Muscular dystrophy-dystroglycanopathy (congenital with impaired intellectual development), type B, 3. Also called: MUSCULAR DYSTROPHY, CONGENITAL, POMGNT1-RELATED; Muscular dystrophy-dystroglycanopathy (congenital with intellectual disability), type B3. Identifiers: MedGen C3150412, MONDO:0013155, OMIM 613151.

gnomAD v4.1: 1 of 1,614,148 alleles (0.000062%); highest among the groups gnomAD compares: South Asian, 0.0011%; no homozygotes.

Submission:

Labcorp Genetics (formerly Invitae), Labcorp
Classification: Uncertain significance for Autosomal recessive limb-girdle muscular dystrophy type 2O; Muscular dystrophy-dystroglycanopathy (congenital with impaired intellectual development), type B, 3. Last evaluated: 2021-12-09. Review status: criteria provided, single submitter. Criteria: Invitae Variant Classification Sherloc (09022015). Collection method: clinical testing. Allele origin: germline.
Comment: In summary, the available evidence is currently insufficient to determine the role of this variant in disease. Therefore, it has been classified as a Variant of Uncertain Significance. Advanced modeling of protein sequence and biophysical properties (such as structural, functional, and spatial information, amino acid conservation, physicochemical variation, residue mobility, and thermodynamic stability) performed at Invitae indicates that this missense variant is not expected to disrupt POMGNT1 protein function. This variant has not been reported in the literature in individuals affected with POMGNT1-related conditions. This variant is not present in population databases (gnomAD no frequency). This sequence change replaces valine, which is neutral and non-polar, with isoleucine, which is neutral and non-polar, at codon 51 of the POMGNT1 protein (p.Val51Ile).